The following is an entry in ClinVar:

ClinVar aggregate classification (germline): Pathogenic. Review status: criteria provided, multiple submitters, no conflicts (2 of 4 stars). 2 submissions from 2 submitters: Pathogenic (2). Last evaluated 2022-12-19.

Conditions:
Bardet-Biedl syndrome (BBS). Identifiers: Orphanet 110, MedGen C0752166, MONDO:0015229.

Submissions (2):

Women's Health and Genetics/Laboratory Corporation of America, LabCorp
Classification: Pathogenic for Bardet-Biedl syndrome. Last evaluated: 2022-12-19. Review status: criteria provided, single submitter. Criteria: LabCorp Variant Classification Summary - May 2015. Collection method: clinical testing. Allele origin: germline.
Comment: Variant summary: BBS2 c.1808_1809delAT (p.Tyr603SerfsX10) results in a premature termination codon, predicted to cause a truncation of the encoded protein or absence of the protein due to nonsense mediated decay, which are commonly known mechanisms for disease. Truncations downstream of this position have been classified as pathogenic by our laboratory. The variant was absent in 251434 control chromosomes. c.1808_1809delAT has been reported in the literature as a compound heterozygous genotype in at-least one individual affected with features of Bardet-Biedl Syndrome (example, Karmous-Benailly_2005). One clinical diagnostic laboratory has submitted clinical-significance assessments for this variant to ClinVar after 2014 without evidence for independent evaluation and classified the variant as pathogenic. Based on the evidence outlined above, the variant was classified as pathogenic.

Labcorp Genetics (formerly Invitae), Labcorp
Classification: Pathogenic for Bardet-Biedl syndrome. Last evaluated: 2021-06-08. Review status: criteria provided, single submitter. Criteria: Invitae Variant Classification Sherloc (09022015). Collection method: clinical testing. Allele origin: germline.
Comment: This sequence change creates a premature translational stop signal (p.Tyr603Serfs*10) in the BBS2 gene. It is expected to result in an absent or disrupted protein product. This variant is not present in population databases (ExAC no frequency). This variant has been observed in an individual affected with Bardet-Biedl syndrome (PMID: 15666242). Loss-of-function variants in BBS2 are known to be pathogenic (PMID: 11285252). For these reasons, this variant has been classified as Pathogenic.

Literature cited by the submitters: PubMed 15666242 (cited by Women's Health and Genetics/Laboratory Corporation of America, LabCorp and Labcorp Genetics (formerly Invitae), Labcorp); PubMed 11285252 (cited by Labcorp Genetics (formerly Invitae), Labcorp).

NM_031885.5(BBS2):c.1808_1809del (p.Tyr603fs)

Gene: BBS2 (Bardet-Biedl syndrome 2; minus strand). Cytogenetic location: 16q13.
Variant type: Microsatellite.
Coding change: c.1808_1809del on transcript NM_031885.5 (MANE Select); coding-DNA positions 1808 to 1809, 2 bases deleted (AT; older notation c.1808_1809delAT).
Protein change: p.Tyr603fs; shifts the reading frame from tyrosine 603.
Molecular consequence: frameshift variant. On other transcripts: non-coding transcript variant (5).
Genome position (GRCh38, 1-based): chr16:56,497,068-56,497,069, AT deleted on the plus strand (AT on the coding strand, the reverse complement: BBS2 is on the minus strand); deleting any 2 consecutive bases within chr16:56,497,068-56,497,071 gives the same sequence; the c. name uses the placement nearest the transcript's 3' end. VCF-style (leftmost placement, unchanged base first): chr16-56497067-GAT-G. GRCh37 (hg19) VCF-style: chr16-56530979-GAT-G.
Other names: c.1808_1809del, p.Tyr603fs (NM_001377456.1); c.1808_1809delAT (NM_031885.3); short protein forms Y603fs.
Identifiers: ClinVar variation 945900 (VCV000945900.10), dbSNP rs1964134678, ClinGen allele CA2224174614.